The following is an entry in ClinVar:

NM_000746.6(CHRNA7):c.59C>T (p.Ser20Phe)

Gene: CHRNA7 (cholinergic receptor nicotinic alpha 7 subunit). Cytogenetic location: 15q13.3.
Variant type: single nucleotide variant.
Coding change: c.59C>T on transcript NM_000746.6 (MANE Select); coding-DNA position 59, C replaced by T.
Protein change: p.Ser20Phe; replaces serine 20 with phenylalanine.
Molecular consequence: missense variant. On other transcripts: non-coding transcript variant (1).
Genome position (GRCh38, 1-based): chr15:32,030,901, C>T. VCF-style: chr15-32030901-C-T. GRCh37 (hg19) VCF-style: chr15-32323104-C-T.
Other names: c.146C>T, p.Ser49Phe (NM_001190455.3); short protein forms S20F, S49F.
Identifiers: ClinVar variation 1703980 (VCV001703980.2), dbSNP rs754876538, ClinGen allele CA391897453.
Genomic context (GRCh38, chr15:32,030,901, plus strand): 5'-CGGGGGTACCCCCGCCGGCCTGCCCTGAGCCCCCTGCCCGGGTCTTCTCTCCTTAAGTGT[C>T]CCTGCAAGGCGAGTTCCAGAGGAAGCTTTACAAGGAGCTGGTCAAGAACTACAATCCCTT-3'
Protein context (NP_000737.1, residues 10-30): LALAASLLHV[Ser20Phe]LQGEFQRKLY

ClinVar aggregate classification (germline): Uncertain significance (1 of 4 stars; one submission).

Submission:

GeneDx
Classification: Uncertain significance. Last evaluated: 2022-03-01. Review status: criteria provided, single submitter. Criteria: GeneDx Variant Classification Process June 2021. Collection method: clinical testing. Allele origin: germline. Affected: yes.
Comment: Not observed at significant frequency in large population cohorts (gnomAD); In silico analysis supports that this missense variant has a deleterious effect on protein structure/function; Has not been previously published as pathogenic or benign to our knowledge